The following is an entry in ClinVar:

ClinVar aggregate classification (germline): Pathogenic. Review status: criteria provided, multiple submitters, no conflicts (2 of 4 stars). 12 submissions from 11 submitters: Pathogenic (9). 3 of the submissions do not count toward it. Last evaluated 2025-09-03.

Conditions:
ALPL-related disorder. Also called: ALPL-related disorders; ALPL-related condition.
Autosomal recessive ALPL-related disorders.
Infantile hypophosphatasia. Identifiers: Orphanet 247651, Orphanet 436, MedGen C0268412, MONDO:1010169, OMIM 241500, MONDO:0009427.
Hypophosphatasia. Also called: Phosphoethanol-aminuria. Identifiers: Orphanet 436, MedGen C0020630, MeSH D007014, MONDO:0018570.
Childhood hypophosphatasia. Identifiers: Orphanet 247667, Orphanet 436, MedGen C0220743, MONDO:1010168, OMIM 241510, MONDO:0009428.
Adult hypophosphatasia. Identifiers: Orphanet 247676, Orphanet 436, MedGen C0268413, MONDO:1010154, OMIM 146300, MONDO:0007798.

Allele frequency attached by ClinVar (database versions not stated): gnomAD 0.00001; ExAC 0.00002; gnomAD exomes 0.00002; TOPMed 0.00002.
gnomAD v4.1: 47 of 1,614,004 alleles (0.0029%); highest among the groups gnomAD compares: Non-Finnish European, 0.0038%; no homozygotes.

Submissions (12):

Labcorp Genetics (formerly Invitae), Labcorp
Classification: Pathogenic. Last evaluated: 2025-09-03. Review status: criteria provided, single submitter. Criteria: Invitae Variant Classification Sherloc (09022015). Collection method: clinical testing. Allele origin: germline.
Comment: This sequence change replaces arginine, which is basic and polar, with cysteine, which is neutral and slightly polar, at codon 272 of the ALPL protein (p.Arg272Cys). This variant is present in population databases (rs121918020, gnomAD 0.006%). This missense change has been observed in individuals with hypophosphatasia (PMID: 17253930, 18559907, 24276437, 24378058). It has also been observed to segregate with disease in related individuals. This variant is also known as R255C. ClinVar contains an entry for this variant (Variation ID: 13684). Invitae Evidence Modeling of protein sequence and biophysical properties (such as structural, functional, and spatial information, amino acid conservation, physicochemical variation, residue mobility, and thermodynamic stability) indicates that this missense variant is expected to disrupt ALPL protein function with a positive predictive value of 95%. This variant disrupts the p.Arg272 amino acid residue in ALPL. Other variant(s) that disrupt this residue have been observed in individuals with ALPL-related conditions (PMID: 12815606, 15694177, 17253930, 18559907, 24276437, 24378058), which suggests that this may be a clinically significant amino acid residue. For these reasons, this variant has been classified as Pathogenic.

Genomenon, Inc
Classification: Pathogenic for Hypophosphatasia. Last evaluated: 2025-08-29. Review status: criteria provided, single submitter. Criteria: Genomenon Sequence Variant Interpretation Standards. Collection method: curation. Allele origin: germline. Affected: yes.
Comment: ALPL c.814C>T is a missense variant that changes the amino acid at residue 272 from Arginine to Cysteine. This variant has been observed in at least one proband affected with hypophosphatasia (PMID:32811521;31687651;33942288;18559907;24276437;17253930). The variant was found to segregate with disease in at least one affected family (PMID:18559907). At least one functional study has demonstrated a substantial alteration in protein function relative to the wild-type (PMID:32160374). This variant is also described as Arg255Cys in the literature. It is absent or not present at a significant frequency in gnomAD. In silico models agree that this variant is possibly or probably damaging. In conclusion, we classify ALPL p.Arg272Cys (c.814C>T) as a pathogenic variant.

Variantyx, Inc.
Classification: Pathogenic for Autosomal recessive ALPL-related disorders. Last evaluated: 2025-05-14. Review status: criteria provided, single submitter. Criteria: Variantyx Assertion Criteria 2022. Collection method: clinical testing. Allele origin: germline. Inheritance: Autosomal recessive inheritance.
Comment: This is a nonsynonymous variant in the ALPL gene (OMIM: 171760). Pathogenic variants in this gene have been associated with autosomal recessive ALPL-related disorders. This variant has been identified in the homozygous or compound heterozygous state in at least 4 individual(s) reported in the published literature (PMID: 32160374, 24276437, 18559907, 12815606) (PM3). Functional studies have shown that this variant alters ALPL protein function (PMID: 32160374) (PS3) and multiple computational algorithms predict a deleterious effect for this variant (REVEL score: 0.923) (PP3). Alternate amino acid change(s) at this position (p.Arg272His) have been previously reported in similarly affected individuals, which suggests that this residue is biologically important (PMID: 32160374) (PM5). This variant has a 0.0038% maximum allele frequency in non-founder control populations (PM2). Based on the current evidence, this variant is classified as pathogenic for autosomal recessive ALPL-related disorders

Natera, Inc.
Classification: Pathogenic for Hypophosphatasia. Last evaluated: 2025-05-05. Review status: criteria provided, single submitter. Criteria: Natera Variant Classification Schema (03/2026). Collection method: clinical testing. Allele origin: germline.
Comment: The c.814C>T variant in ALPL is a missense variant predicted to cause substitution of arginine to cysteine at amino acid 272. This variant is rare in the general population with a frequency below the threshold expected for the associated phenotype(s). This variant has been observed in one or more individuals affected with the associated recessive disease, as either homozygous or compound heterozygous with a second variant (PMID: 32160374, 17253930, 18559907, 24276437). Computational prediction algorithms indicate this variant is likely to affect gene or protein function. Given the available evidence, this variant is classified as Pathogenic.

GeneDx
Classification: Pathogenic. Last evaluated: 2024-07-11. Review status: criteria provided, single submitter. Criteria: GeneDx Variant Classification Process June 2021. Collection method: clinical testing. Allele origin: germline. Affected: yes.
Comment: Published functional studies demonstrate a damaging effect on enzymatic activity (PMID: 32160374); In silico analysis supports that this missense variant has a deleterious effect on protein structure/function; This variant is associated with the following publications: (PMID: 34662886, 24378058, 35320273, 31687651, 32811521, 33942288, 32160374, 17253930, 18559907, 24276437, 33827627)

Fulgent Genetics
Classification: Pathogenic for Adult hypophosphatasia; Infantile hypophosphatasia; Childhood hypophosphatasia. Last evaluated: 2024-06-11. Review status: criteria provided, single submitter. Criteria: ACMG Guidelines, 2015. Collection method: clinical testing. Allele origin: germline.

Baylor Genetics
Classification: Pathogenic for Adult hypophosphatasia. Last evaluated: 2024-03-04. Review status: criteria provided, single submitter. Criteria: ACMG Guidelines, 2015. Collection method: clinical testing. Allele origin: unknown.

Women's Health and Genetics/Laboratory Corporation of America, LabCorp
Classification: Pathogenic for Hypophosphatasia. Last evaluated: 2021-12-18. Review status: criteria provided, single submitter. Criteria: LabCorp Variant Classification Summary - May 2015. Collection method: clinical testing. Allele origin: germline.
Comment: Variant summary: ALPL c.814C>T (p.Arg272Cys) results in a non-conservative amino acid change located in the calcium site domain (Angel_2020) of the encoded protein sequence. Five of five in-silico tools predict a damaging effect of the variant on protein function. The variant allele was found at a frequency of 1.6e-05 in 251360 control chromosomes. c.814C>T has been reported in the literature as a compound heterozygous genotype in individuals affected with Hypophosphatasia (example, del Angel_2020, Spentchian_2006, Taketani_2014, Zhao_2013). These data indicate that the variant is likely to be associated with disease. At least one publication reports experimental evidence evaluating an impact on protein function (del Angel_2020). The most pronounced variant effect results in <10% of normal tissue nonspecific alkaline phosphatase (TNSALP) activity in vitro. One clinical diagnostic laboratory has submitted clinical-significance assessments for this variant to ClinVar after 2014 without evidence for independent evaluation and classified the variant as pathogenic. Based on the evidence outlined above, the variant was classified as pathogenic.

Blueprint Genetics
Classification: Pathogenic for ALPL-related disorders. Last evaluated: 2019-12-04. Review status: criteria provided, single submitter. Criteria: ACMG Guidelines, 2015. Collection method: clinical testing. Allele origin: germline. Affected: yes. Observed: 4 variant alleles.

PreventionGenetics, part of Exact Sciences
Classification: Pathogenic for ALPL-related condition. Last evaluated: 2024-01-08. Review status: no assertion criteria provided. Collection method: clinical testing. Allele origin: germline. Not counted in ClinVar's aggregate classification.
Comment: The ALPL c.814C>T variant is predicted to result in the amino acid substitution p.Arg272Cys. This variant has been reported in several individuals with autosomal recessive hypophosphatasia (patient 1, Spentchian et al. 2006. PubMed ID: 17253930; Stevenson et al. 2008. PubMed ID: 18559907; Zhao et al. 2013. PubMed ID: 24378058; Zhang et al. 2021. PubMed ID: 33942288; Taketani et al. 2013. PubMed ID: 24276437). In vitro functional studies demonstrate that expression of this variant results in ~6% activity compared to wildtype (Table S1, Del Angel et al. 2020. PubMed ID: 32160374). This variant is reported in 0.0054% of alleles in individuals of East Asian descent in gnomAD. Additionally, different missense changes impacting the same amino acid (p.Arg272His and p.Arg272Leu) have been reported in individuals with hypophosphatasia (Brun-Heath et al. 2004. PubMed ID: 15694177; Spentchian et al. 2003. PubMed ID: 12815606). Taken together, the c.814C>T (p.Arg272Cys) variant is interpreted as pathogenic.

OMIM
Classification: Pathogenic for HYPOPHOSPHATASIA, INFANTILE. Last evaluated: 2008-09-01. Review status: no assertion criteria provided. Collection method: literature only. Allele origin: germline. Not counted in ClinVar's aggregate classification.

OMIM
Classification: Pathogenic for HYPOPHOSPHATASIA, CHILDHOOD. Last evaluated: 2008-09-01. Review status: no assertion criteria provided. Collection method: literature only. Allele origin: germline. Not counted in ClinVar's aggregate classification.

Literature cited by the submitters: PubMed 17253930 (cited by 4 submitters); PubMed 18559907 (cited by 5 submitters); PubMed 24276437 (cited by 5 submitters); PubMed 24378058 (cited by Labcorp Genetics (formerly Invitae), Labcorp and Women's Health and Genetics/Laboratory Corporation of America, LabCorp); PubMed 12815606 (cited by Labcorp Genetics (formerly Invitae), Labcorp and Variantyx, Inc.); PubMed 15694177 (cited by Labcorp Genetics (formerly Invitae), Labcorp); PubMed 32811521 (cited by Genomenon, Inc); PubMed 31687651 (cited by Genomenon, Inc); PubMed 33942288 (cited by Genomenon, Inc); PubMed 32160374 (cited by 4 submitters).

NM_000478.6(ALPL):c.814C>T (p.Arg272Cys)

Gene: ALPL (alkaline phosphatase, biomineralization associated; plus strand). Cytogenetic location: 1p36.12.
Variant type: single nucleotide variant.
Coding change: c.814C>T on transcript NM_000478.6 (MANE Select); coding-DNA position 814, C replaced by T.
Protein change: p.Arg272Cys; replaces arginine 272 with cysteine.
Molecular consequence: missense variant.
Genome position (GRCh38, 1-based): chr1:21,570,326, C>T. VCF-style: chr1-21570326-C-T. GRCh37 (hg19) VCF-style: chr1-21896819-C-T.
Other names: c.814C>T (NM_000478.4); c.649C>T, p.Arg217Cys (NM_001127501.4); c.583C>T, p.Arg195Cys (NM_001177520.3); c.814C>T, p.Arg272Cys (NM_001369803.2, NM_001369804.2, NM_001369805.2); short protein forms R272C, R195C, R217C.
Identifiers: ClinVar variation 13684 (VCV000013684.26), dbSNP rs121918020, ClinGen allele CA256936.